The following is an entry in ClinVar:

ClinVar aggregate classification (germline): Pathogenic (1 of 4 stars; one submission).

Conditions:
Neurofibromatosis, type 2 (SWNV). Also called: BILATERAL ACOUSTIC NEUROFIBROMATOSIS; SCHWANNOMATOSIS, VESTIBULAR; NF2-Related Schwannomatosis. Identifiers: Orphanet 637, MedGen C0027832, MONDO:0007039, OMIM 101000. Disease mechanism: loss of function.

Submission:

Baylor Genetics
Classification: Pathogenic for Neurofibromatosis, type 2. Last evaluated: 2020-06-16. Review status: criteria provided, single submitter. Criteria: ACMG Guidelines, 2015. Collection method: clinical testing. Allele origin: unknown. Affected: yes. Study: CSER-TexasKidsCanSeq.
Comment: This variant was determined to be pathogenic according to ACMG Guidelines, 2015 [PMID:25741868]. Variants resulting in the same premature stop codon have been previously reported as diseases-causing in multiple individuals [PMID 8012353, 18766994, 25525159]

Literature cited by the submitters: PubMed 8012353; PubMed 18766994; PubMed 25525159.

NM_000268.4(NF2):c.1395_1396delinsAT (p.Arg466Ter)

Gene: NF2 (NF2, moesin-ezrin-radixin like (MERLIN) tumor suppressor; plus strand). Cytogenetic location: 22q12.2.
Variant type: Indel.
Coding change: c.1395_1396delinsAT on transcript NM_000268.4 (MANE Select); coding-DNA positions 1395 to 1396, GC replaced by AT.
Protein change: p.Arg466Ter; replaces arginine 466 with a stop codon.
Molecular consequence: nonsense. On other transcripts: non-coding transcript variant (1), intron variant (1).
Genome position (GRCh38, 1-based): chr22:29,674,890-29,674,891, GC replaced by AT. VCF-style: chr22-29674890-GC-AT. GRCh37 (hg19) VCF-style: chr22-30070879-GC-AT.
Other names: c.1395_1396delinsAT, p.Arg466Ter (NM_016418.5, NM_181825.3, NM_181832.3); c.1269_1270delinsAT, p.Arg424Ter (NM_181828.3); c.1272_1273delinsAT, p.Arg425Ter (NM_181829.3); c.1146_1147delinsAT, p.Arg383Ter (NM_181830.3, NM_181831.3); c.448-19862_448-19861delinsAT (NM_181833.3); short protein forms R383*, R424*, R425*, R466*.
Identifiers: ClinVar variation 998281 (VCV000998281.1), dbSNP rs2066914171, ClinGen allele CA915940657.
Genomic context (GRCh38, chr22:29,674,890, plus strand): 5'-TTGCAGGGCCAAAGAGGCAGATCAGCTGAAGCAGGACCTGCAGGAAGCACGCGAGGCGGA[GC>AT]GAAGAGCCAAGCAGAAGCTCCTGGAGATTGCCACCAAGCCCACGTACCCGGTGAGCCTGG-3'